The following is an entry in ClinVar:

ClinVar aggregate classification (germline): Uncertain significance (1 of 4 stars; one submission).

Submission:

Greenwood Genetic Center Diagnostic Laboratories, Greenwood Genetic Center
Classification: Uncertain significance. Last evaluated: 2024-11-14. Review status: criteria provided, single submitter. Criteria: ACMG Guidelines, 2015. Collection method: clinical testing. Allele origin: germline. Affected: yes.
Comment: Gene of Uncertain Significance

NM_001323342.2(AHCTF1):c.3295C>A (p.Pro1099Thr)

Gene: AHCTF1 (AT-hook containing transcription factor 1; minus strand). Cytogenetic location: 1q44.
Variant type: single nucleotide variant.
Coding change: c.3295C>A on transcript NM_001323342.2 (MANE Select); coding-DNA position 3295, C replaced by A.
Protein change: p.Pro1099Thr; replaces proline 1099 with threonine.
Molecular consequence: missense variant. On other transcripts: non-coding transcript variant (1).
Genome position (GRCh38, 1-based): chr1:246,867,296, G>T on the plus strand (C>A on the coding strand, the complement: AHCTF1 is on the minus strand). VCF-style: chr1-246867296-G-T. GRCh37 (hg19) VCF-style: chr1-247030598-G-T.
Other names: c.3295C>A, p.Pro1099Thr (NM_001323343.2); c.3400C>A, p.Pro1134Thr (NM_001410950.1); c.3322C>A, p.Pro1108Thr (NM_015446.5); short protein forms P1099T, P1108T, P1134T.
Identifiers: ClinVar variation 3765766 (VCV003765766.1).